The following is an entry in ClinVar:

ClinVar aggregate classification (germline): Uncertain significance (1 of 4 stars; one submission).

Conditions:
Hereditary cancer-predisposing syndrome. Also called: Neoplastic Syndromes, Hereditary; Hereditary Cancer Syndrome; Tumor predisposition; Hereditary neoplastic syndrome. Identifiers: Orphanet 140162, MedGen C0027672, MeSH D009386, MONDO:0015356.

Submission:

Color Diagnostics, LLC DBA Color Health
Classification: Uncertain significance for Hereditary cancer-predisposing syndrome. Last evaluated: 2023-12-04. Review status: criteria provided, single submitter. Criteria: ACMG Guidelines, 2015. Collection method: clinical testing. Allele origin: germline.
Comment: This missense variant replaces lysine with threonine at codon 561 of the APC protein. Computational prediction suggests that this variant may not impact protein structure and function (internally defined REVEL score threshold <= 0.5, PMID: 27666373). To our knowledge, functional studies have not been reported for this variant. This variant has not been reported in individuals affected with APC-related disorders in the literature. This variant has not been identified in the general population by the Genome Aggregation Database (gnomAD). The available evidence is insufficient to determine the role of this variant in disease conclusively. Therefore, this variant is classified as a Variant of Uncertain Significance.

NM_000038.6(APC):c.1682A>C (p.Lys561Thr)

Gene: APC (APC regulator of Wnt signaling pathway; plus strand). Cytogenetic location: 5q22.2.
Variant type: single nucleotide variant.
Coding change: c.1682A>C on transcript NM_000038.6 (MANE Select); coding-DNA position 1682, A replaced by C.
Protein change: p.Lys561Thr; replaces lysine 561 with threonine.
Molecular consequence: missense variant.
Genome position (GRCh38, 1-based): chr5:112,828,911, A>C. VCF-style: chr5-112828911-A-C. GRCh37 (hg19) VCF-style: chr5-112164608-A-C.
Other names: c.1682A>C, p.Lys561Thr (NM_001127510.3, NM_001354895.2); c.1628A>C, p.Lys543Thr (NM_001127511.3); c.1736A>C, p.Lys579Thr (NM_001354896.2); c.1712A>C, p.Lys571Thr (NM_001354897.2); c.1607A>C, p.Lys536Thr (NM_001354898.2); c.1598A>C, p.Lys533Thr (NM_001354899.2); c.1559A>C, p.Lys520Thr (NM_001354900.2); c.1505A>C, p.Lys502Thr (NM_001354901.2); and 5 more; short protein forms K401T, K543T, K561T, K470T, K502T, K533T, K571T, K579T.
Identifiers: ClinVar variation 928195 (VCV000928195.4), dbSNP rs1561557634, ClinGen allele CA16024985.